The following is an entry in ClinVar:

ClinVar aggregate classification (germline): Uncertain significance (1 of 4 stars; one submission).

Conditions:
Familial hypobetalipoproteinemia 1. Also called: APOB-Related Familial Hypobetalipoproteinemia; Hypobetalipoproteinemia, normotriglyceridemic; Acanthocytosis with hypobetalipoproteinemia. Identifiers: MedGen C4551990, MONDO:0014252, OMIM 615558.
Hypercholesterolemia, autosomal dominant, type B (FHCL2). Also called: APOB-Related Familial Hypercholesterolemia, Autosomal Dominant; Familial hypercholesterolemia 2; Familial Hypercholesterolemia Type B; APOLIPOPROTEIN B-100, FAMILIAL DEFECTIVE; APOLIPOPROTEIN B-100, FAMILIAL LIGAND-DEFECTIVE; HYPERCHOLESTEROLEMIA, FAMILIAL, DUE TO LIGAND-DEFECTIVE APOLIPOPROTEIN B. Identifiers: MedGen C1704417, MONDO:0007751, OMIM 144010.

gnomAD v4.1: 5 of 1,606,806 alleles (0.00031%); highest among the groups gnomAD compares: Non-Finnish European, 0.00043%; no homozygotes.

Submission:

Labcorp Genetics (formerly Invitae), Labcorp
Classification: Uncertain significance for Familial hypobetalipoproteinemia 1; Hypercholesterolemia, autosomal dominant, type B. Last evaluated: 2025-08-24. Review status: criteria provided, single submitter. Criteria: Invitae Variant Classification Sherloc (09022015). Collection method: clinical testing. Allele origin: germline.
Comment: This sequence change replaces leucine, which is neutral and non-polar, with arginine, which is basic and polar, at codon 1550 of the APOB protein (p.Leu1550Arg). This variant is not present in population databases (gnomAD no frequency). This missense change has been observed in individual(s) with familial hypercholesterolemia (PMID: 37937776). Invitae Evidence Modeling of protein sequence and biophysical properties (such as structural, functional, and spatial information, amino acid conservation, physicochemical variation, residue mobility, and thermodynamic stability) indicates that this missense variant is not expected to disrupt APOB protein function with a negative predictive value of 95%. In summary, the available evidence is currently insufficient to determine the role of this variant in disease. Therefore, it has been classified as a Variant of Uncertain Significance.

Literature cited by the submitters: PubMed 37937776.

NM_000384.3(APOB):c.4649T>G (p.Leu1550Arg)

Gene: APOB (apolipoprotein B; minus strand). Cytogenetic location: 2p24.1.
Variant type: single nucleotide variant.
Coding change: c.4649T>G on transcript NM_000384.3 (MANE Select); coding-DNA position 4649, T replaced by G.
Protein change: p.Leu1550Arg; replaces leucine 1550 with arginine.
Molecular consequence: missense variant.
Genome position (GRCh38, 1-based): chr2:21,012,219, A>C on the plus strand (T>G on the coding strand, the complement: APOB is on the minus strand). VCF-style: chr2-21012219-A-C. GRCh37 (hg19) VCF-style: chr2-21235091-A-C.
Other names: short protein forms L1550R.
Identifiers: ClinVar variation 4783602 (VCV004783602.1).